The following is an entry in ClinVar:

NM_001852.4(COL9A2):c.220G>A (p.Asp74Asn)

Gene: COL9A2 (collagen type IX alpha 2 chain; minus strand). Cytogenetic location: 1p34.2.
Variant type: single nucleotide variant.
Coding change: c.220G>A on transcript NM_001852.4 (MANE Select); coding-DNA position 220, G replaced by A.
Protein change: p.Asp74Asn; replaces aspartic acid 74 with asparagine.
Molecular consequence: missense variant.
Genome position (GRCh38, 1-based): chr1:40,314,234, C>T on the plus strand (G>A on the coding strand, the complement: COL9A2 is on the minus strand). VCF-style: chr1-40314234-C-T. GRCh37 (hg19) VCF-style: chr1-40779906-C-T.
Other names: short protein forms D74N.
Identifiers: ClinVar variation 3689900 (VCV003689900.2).

ClinVar aggregate classification (germline): Uncertain significance (1 of 4 stars; one submission).

gnomAD v4.1: 4 of 1,614,264 alleles (0.00025%); highest among the groups gnomAD compares: East Asian, 0.0089%; no homozygotes.

Submission:

Labcorp Genetics (formerly Invitae), Labcorp
Classification: Uncertain significance. Last evaluated: 2024-04-17. Review status: criteria provided, single submitter. Criteria: Invitae Variant Classification Sherloc (09022015). Collection method: clinical testing. Allele origin: germline.
Comment: This sequence change replaces aspartic acid, which is acidic and polar, with asparagine, which is neutral and polar, at codon 74 of the COL9A2 protein (p.Asp74Asn). This variant is not present in population databases (gnomAD no frequency). This variant has not been reported in the literature in individuals affected with COL9A2-related conditions. Advanced modeling of protein sequence and biophysical properties (such as structural, functional, and spatial information, amino acid conservation, physicochemical variation, residue mobility, and thermodynamic stability) performed at Invitae indicates that this missense variant is not expected to disrupt COL9A2 protein function with a negative predictive value of 95%. In summary, the available evidence is currently insufficient to determine the role of this variant in disease. Therefore, it has been classified as a Variant of Uncertain Significance.